The following is an entry in ClinVar:

NM_001379286.1(ZNF423):c.2575A>G (p.Lys859Glu)

Gene: ZNF423 (zinc finger protein 423; minus strand). Cytogenetic location: 16q12.1.
Variant type: single nucleotide variant.
Coding change: c.2575A>G on transcript NM_001379286.1 (MANE Select); coding-DNA position 2575, A replaced by G.
Protein change: p.Lys859Glu; replaces lysine 859 with glutamic acid.
Molecular consequence: missense variant.
Genome position (GRCh38, 1-based): chr16:49,636,601, T>C on the plus strand (A>G on the coding strand, the complement: ZNF423 is on the minus strand). VCF-style: chr16-49636601-T-C. GRCh37 (hg19) VCF-style: chr16-49670512-T-C.
Other names: c.2371A>G, p.Lys791Glu (NM_001271620.2); c.2200A>G, p.Lys734Glu (NM_001330533.2); c.2551A>G, p.Lys851Glu (NM_015069.5); short protein forms K851E, K859E, K734E, K791E.
Identifiers: ClinVar variation 1447144 (VCV001447144.9), dbSNP rs148681787, ClinGen allele CA8046477.

ClinVar aggregate classification (germline): Uncertain significance. Review status: criteria provided, multiple submitters, no conflicts (2 of 4 stars). 2 submissions from 2 submitters: Uncertain significance (2). Last evaluated 2022-11-01.

Conditions:
Nephronophthisis 14 (NPHP14). Identifiers: Orphanet 2318, MedGen C3539071, MONDO:0013916, OMIM 614844.

Allele frequency attached by ClinVar (database versions not stated): gnomAD 0.00003; gnomAD exomes 0.00003 and 0.00004; TOPMed 0.00003; ExAC 0.00004; ESP Exome Variant Server 0.00015.
gnomAD v4.1: 63 of 1,613,686 alleles (0.0039%); highest among the groups gnomAD compares: Non-Finnish European, 0.005%; no homozygotes.

Submissions (2):

Blueprint Genetics
Classification: Uncertain significance. Last evaluated: 2022-11-01. Review status: criteria provided, single submitter. Criteria: ACMG Guidelines, 2015. Collection method: clinical testing. Allele origin: germline.

Labcorp Genetics (formerly Invitae), Labcorp
Classification: Uncertain significance for Nephronophthisis 14. Last evaluated: 2021-03-21. Review status: criteria provided, single submitter. Criteria: Invitae Variant Classification Sherloc (09022015). Collection method: clinical testing. Allele origin: germline.
Comment: In summary, the available evidence is currently insufficient to determine the role of this variant in disease. Therefore, it has been classified as a Variant of Uncertain Significance. Algorithms developed to predict the effect of missense changes on protein structure and function (SIFT, PolyPhen-2, Align-GVGD) all suggest that this variant is likely to be tolerated, but these predictions have not been confirmed by published functional studies and their clinical significance is uncertain. This variant has not been reported in the literature in individuals with ZNF423-related conditions. This variant is present in population databases (rs148681787, ExAC 0.008%). This sequence change replaces lysine with glutamic acid at codon 851 of the ZNF423 protein (p.Lys851Glu). The lysine residue is highly conserved and there is a small physicochemical difference between lysine and glutamic acid.